The following is an entry in ClinVar:

ClinVar aggregate classification (germline): Uncertain significance. Review status: criteria provided, multiple submitters, no conflicts (2 of 4 stars). 2 submissions from 2 submitters: Uncertain significance (2). Last evaluated 2025-08-05.

Conditions:
Hereditary pulmonary alveolar proteinosis. Also called: Pulmonary surfactant metabolism dysfunction. Identifiers: Orphanet 264675, MedGen C3711368, MONDO:0012580.

gnomAD v4.1: 3 of 1,592,176 alleles (0.00019%); highest among the groups gnomAD compares: Non-Finnish European, 0.00026%; no homozygotes.

Submissions (2):

Ambry Genetics
Classification: Uncertain significance for Hereditary pulmonary alveolar proteinosis. Last evaluated: 2025-08-05. Review status: criteria provided, single submitter. Criteria: Ambry Variant Classification Scheme 2023. Collection method: clinical testing. Allele origin: germline.

Labcorp Genetics (formerly Invitae), Labcorp
Classification: Uncertain significance. Last evaluated: 2022-08-10. Review status: criteria provided, single submitter. Criteria: Invitae Variant Classification Sherloc (09022015). Collection method: clinical testing. Allele origin: germline.
Comment: This sequence change replaces valine, which is neutral and non-polar, with leucine, which is neutral and non-polar, at codon 926 of the ABCA3 protein (p.Val926Leu). This variant is not present in population databases (gnomAD no frequency). This variant has not been reported in the literature in individuals affected with ABCA3-related conditions. ClinVar contains an entry for this variant (Variation ID: 1460921). Algorithms developed to predict the effect of missense changes on protein structure and function output the following: SIFT: "Tolerated"; PolyPhen-2: "Benign"; Align-GVGD: "Class C0". The leucine amino acid residue is found in multiple mammalian species, which suggests that this missense change does not adversely affect protein function. In summary, the available evidence is currently insufficient to determine the role of this variant in disease. Therefore, it has been classified as a Variant of Uncertain Significance.

NM_001089.3(ABCA3):c.2776G>T (p.Val926Leu)

Gene: ABCA3 (ATP binding cassette subfamily A member 3; minus strand). Cytogenetic location: 16p13.3.
Variant type: single nucleotide variant.
Coding change: c.2776G>T on transcript NM_001089.3 (MANE Select); coding-DNA position 2776, G replaced by T.
Protein change: p.Val926Leu; replaces valine 926 with leucine.
Molecular consequence: missense variant.
Genome position (GRCh38, 1-based): chr16:2,288,254, C>A on the plus strand (G>T on the coding strand, the complement: ABCA3 is on the minus strand). VCF-style: chr16-2288254-C-A. GRCh37 (hg19) VCF-style: chr16-2338255-C-A.
Other names: c.2776G>T (NM_001089.2); short protein forms V926L.
Identifiers: ClinVar variation 1460921 (VCV001460921.4), dbSNP rs1409070251, ClinGen allele CA394324003.